The following is an entry in ClinVar:

NM_152618.3(BBS12):c.142G>A (p.Val48Ile)

Gene: BBS12 (Bardet-Biedl syndrome 12; plus strand). Cytogenetic location: 4q27.
Variant type: single nucleotide variant.
Coding change: c.142G>A on transcript NM_152618.3 (MANE Select); coding-DNA position 142, G replaced by A.
Protein change: p.Val48Ile; replaces valine 48 with isoleucine.
Molecular consequence: missense variant.
Genome position (GRCh38, 1-based): chr4:122,742,034, G>A. VCF-style: chr4-122742034-G-A. GRCh37 (hg19) VCF-style: chr4-123663189-G-A.
Other names: c.142G>A, p.Val48Ile (NM_001178007.2); short protein forms V48I.
Identifiers: ClinVar variation 4994183 (VCV004994183.1).
Genomic context (GRCh38, chr4:122,742,034, plus strand): 5'-ACTTTCCTAGGCCCACTAAAATCATCCAAATTTATTATAGATGAAGAATGTCATGAAAGT[G>A]TATTAATCAGTTCAACAGTAAGGCTTCTTGAAAGTTTGGATTTAACCAGTGCAGTGGGAC-3'
Protein context (NP_689831.2, residues 38-58): FIIDEECHES[Val48Ile]LISSTVRLLE

ClinVar aggregate classification (germline): Uncertain significance (1 of 4 stars; one submission).

Conditions:
BBS12-related disorder. Also called: BBS12-related condition.

gnomAD v4.1: 2 of 1,614,142 alleles (0.00012%); highest among the groups gnomAD compares: South Asian, 0.0011%; no homozygotes.

Submission:

PreventionGenetics, part of Exact Sciences
Classification: Uncertain significance for BBS12-related condition. Last evaluated: 2026-06-29. Review status: criteria provided, single submitter. Criteria: ACMG Guidelines, 2015. Collection method: clinical testing. Allele origin: germline.
Comment: The BBS12 c.142G>A variant is predicted to result in the amino acid substitution p.Val48Ile. To our knowledge, this variant has not been reported in the literature or in a large population database (gnomAD), indicating this variant is rare. At this time, the clinical significance of this variant is uncertain due to the absence of conclusive functional and genetic evidence.